The following is an entry in ClinVar:

ClinVar aggregate classification (germline): Uncertain significance. Review status: criteria provided, multiple submitters, no conflicts (2 of 4 stars). 3 submissions from 3 submitters: Uncertain significance (3). Last evaluated 2026-02-25.

Conditions:
Hereditary cancer-predisposing syndrome. Also called: Tumor predisposition; Hereditary neoplastic syndrome; Hereditary Cancer Syndrome; Neoplastic Syndromes, Hereditary. Identifiers: Orphanet 140162, MedGen C0027672, MeSH D009386, MONDO:0015356.
Neuroblastoma, susceptibility to, 3. Also called: ALK-Related Neuroblastic Tumor Susceptibility. Identifiers: Orphanet 635, MedGen C2751681, MONDO:0013083, OMIM 613014.

Submissions (3):

Ambry Genetics
Classification: Uncertain significance for Hereditary cancer-predisposing syndrome. Last evaluated: 2026-02-25. Review status: criteria provided, single submitter. Criteria: Ambry Variant Classification Scheme 2023. Collection method: clinical testing. Allele origin: germline.
Comment: The p.Q1217E variant (also known as c.3649C>G), located in coding exon 24 of the ALK gene, results from a C to G substitution at nucleotide position 3649. The glutamine at codon 1217 is replaced by glutamic acid, an amino acid with highly similar properties. This amino acid position is conserved. In addition, the in silico prediction for this alteration is inconclusive. Based on the available evidence, the clinical significance of this variant remains unclear.

GeneDx
Classification: Uncertain significance. Last evaluated: 2023-12-18. Review status: criteria provided, single submitter. Criteria: GeneDx Variant Classification Process June 2021. Collection method: clinical testing. Allele origin: germline. Affected: yes.
Comment: Not observed at significant frequency in large population cohorts (gnomAD); In silico analysis supports that this missense variant does not alter protein structure/function; Has not been previously published as pathogenic or benign to our knowledge

Labcorp Genetics (formerly Invitae), Labcorp
Classification: Uncertain significance for Neuroblastoma, susceptibility to, 3. Last evaluated: 2019-10-23. Review status: criteria provided, single submitter. Criteria: Invitae Variant Classification Sherloc (09022015). Collection method: clinical testing. Allele origin: germline.
Comment: This sequence change replaces glutamine with glutamic acid at codon 1217 of the ALK protein (p.Gln1217Glu). The glutamine residue is highly conserved and there is a small physicochemical difference between glutamine and glutamic acid. This variant is not present in population databases (ExAC no frequency). This variant has not been reported in the literature in individuals with ALK-related conditions. Algorithms developed to predict the effect of missense changes on protein structure and function are either unavailable or do not agree on the potential impact of this missense change (SIFT: "Deleterious"; PolyPhen-2: "Benign"; Align-GVGD: "Class C25"). In summary, the available evidence is currently insufficient to determine the role of this variant in disease. Therefore, it has been classified as a Variant of Uncertain Significance.

NM_004304.5(ALK):c.3649C>G (p.Gln1217Glu)

Gene: ALK (ALK receptor tyrosine kinase; minus strand). Cytogenetic location: 2p23.2.
Variant type: single nucleotide variant.
Coding change: c.3649C>G on transcript NM_004304.5 (MANE Select); coding-DNA position 3649, C replaced by G.
Protein change: p.Gln1217Glu; replaces glutamine 1217 with glutamic acid.
Molecular consequence: missense variant.
Genome position (GRCh38, 1-based): chr2:29,214,078, G>C on the plus strand (C>G on the coding strand, the complement: ALK is on the minus strand). VCF-style: chr2-29214078-G-C. GRCh37 (hg19) VCF-style: chr2-29436944-G-C.
Other names: c.445C>G, p.Gln149Glu (NM_001353765.2); short protein forms Q149E, Q1217E.
Identifiers: ClinVar variation 968907 (VCV000968907.11), dbSNP rs1669536093, ClinGen allele CA346471679.